The following is an entry in ClinVar:

ClinVar aggregate classification (germline): Benign/Likely benign. Review status: criteria provided, multiple submitters, no conflicts (2 of 4 stars). 5 submissions from 5 submitters: Benign (2); Likely benign (2). 1 of the submissions does not count toward it. Last evaluated 2026-01-28.

Conditions:
Inborn genetic diseases. Identifiers: MedGen C0950123, MeSH D030342.
PCNT-related disorder. Also called: PCNT-related condition.

Allele frequency attached by ClinVar (database versions not stated): gnomAD 0.00006 and 0.00032; TOPMed 0.00013; gnomAD exomes 0.00055 and 0.00119; 1000 Genomes Project 0.00140; 1000 Genomes Project 30x 0.00141; ExAC 0.00223.
gnomAD v4.1: 830 of 1,579,242 alleles (0.053%); highest among the groups gnomAD compares: South Asian, 0.86%; 13 homozygotes.

Submissions (5):

Labcorp Genetics (formerly Invitae), Labcorp
Classification: Benign. Last evaluated: 2026-01-28. Review status: criteria provided, single submitter. Criteria: Invitae Variant Classification Sherloc (09022015). Collection method: clinical testing. Allele origin: germline.

Ambry Genetics
Classification: Likely benign for Inborn genetic diseases. Last evaluated: 2025-08-05. Review status: criteria provided, single submitter. Criteria: Ambry Variant Classification Scheme 2023. Collection method: clinical testing. Allele origin: germline.

Blueprint Genetics
Classification: Likely benign. Last evaluated: 2024-11-07. Review status: criteria provided, single submitter. Criteria: ACMG Guidelines, 2015. Collection method: clinical testing. Allele origin: germline.

Genetic Services Laboratory, University of Chicago
Classification: Benign. Last evaluated: 2018-04-27. Review status: criteria provided, single submitter. Criteria: ACMG Guidelines, 2015. Collection method: clinical testing. Allele origin: germline. Affected: no.

PreventionGenetics, part of Exact Sciences
Classification: Benign for PCNT-related condition. Last evaluated: 2019-09-26. Review status: no assertion criteria provided. Collection method: clinical testing. Allele origin: germline. Not counted in ClinVar's aggregate classification.
Comment: This variant is classified as benign based on ACMG/AMP sequence variant interpretation guidelines (Richards et al. 2015 PMID: 25741868, with internal and published modifications).

NM_006031.6(PCNT):c.5743G>A (p.Ala1915Thr)

Gene: PCNT (pericentrin; plus strand). Cytogenetic location: 21q22.3.
Variant type: single nucleotide variant.
Coding change: c.5743G>A on transcript NM_006031.6 (MANE Select); coding-DNA position 5743, G replaced by A.
Protein change: p.Ala1915Thr; replaces alanine 1915 with threonine.
Molecular consequence: missense variant.
Genome position (GRCh38, 1-based): chr21:46,411,816, G>A. VCF-style: chr21-46411816-G-A. GRCh37 (hg19) VCF-style: chr21-47831730-G-A.
Other names: c.5389G>A, p.Ala1797Thr (NM_001315529.2); short protein forms A1797T, A1915T.
Identifiers: ClinVar variation 1336072 (VCV001336072.15), dbSNP rs550245456, ClinGen allele CA10080079.